The following is an entry in ClinVar:

NM_182493.3(MYLK3):c.1933G>T (p.Val645Phe)

Gene: MYLK3 (myosin light chain kinase 3; minus strand). Cytogenetic location: 16q11.2.
Variant type: single nucleotide variant.
Coding change: c.1933G>T on transcript NM_182493.3 (MANE Select); coding-DNA position 1933, G replaced by T.
Protein change: p.Val645Phe; replaces valine 645 with phenylalanine.
Molecular consequence: missense variant.
Genome position (GRCh38, 1-based): chr16:46,721,175, C>A on the plus strand (G>T on the coding strand, the complement: MYLK3 is on the minus strand). VCF-style: chr16-46721175-C-A. GRCh37 (hg19) VCF-style: chr16-46755087-C-A.
Other names: c.910G>T, p.Val304Phe (NM_001308301.1); short protein forms V304F, V645F.
Identifiers: ClinVar variation 2133937 (VCV002133937.4), dbSNP rs763522795, ClinGen allele CA395789141.

ClinVar aggregate classification (germline): Uncertain significance (1 of 4 stars; one submission).

Submission:

Labcorp Genetics (formerly Invitae), Labcorp
Classification: Uncertain significance. Last evaluated: 2022-05-04. Review status: criteria provided, single submitter. Criteria: Invitae Variant Classification Sherloc (09022015). Collection method: clinical testing. Allele origin: germline.
Comment: In summary, the available evidence is currently insufficient to determine the role of this variant in disease. Therefore, it has been classified as a Variant of Uncertain Significance. Algorithms developed to predict the effect of sequence changes on RNA splicing suggest that this variant may disrupt the consensus splice site. Algorithms developed to predict the effect of missense changes on protein structure and function are either unavailable or do not agree on the potential impact of this missense change (SIFT: "Deleterious"; PolyPhen-2: "Probably Damaging"; Align-GVGD: "Class C0"). This variant has not been reported in the literature in individuals affected with MYLK3-related conditions. This variant is not present in population databases (gnomAD no frequency). This sequence change replaces valine, which is neutral and non-polar, with phenylalanine, which is neutral and non-polar, at codon 645 of the MYLK3 protein (p.Val645Phe).